The following is an entry in ClinVar:

NM_015978.3(TNNI3K):c.1414+19A>G

Genes: FPGT-TNNI3K (FPGT-TNNI3K readthrough; plus strand), TNNI3K (TNNI3 interacting kinase; plus strand). Cytogenetic location: 1p31.1.
Variant type: single nucleotide variant.
Coding change: c.1414+19A>G on transcript NM_015978.3 (MANE Select); 19 bases into the intron after coding-DNA position 1414, A replaced by G.
Molecular consequence: intron variant.
Genome position (GRCh38, 1-based): chr1:74,369,133, A>G. VCF-style: chr1-74369133-A-G. GRCh37 (hg19) VCF-style: chr1-74834817-A-G.
Other names: c.1717+19A>G (NM_001112808.3, NM_001199327.2).
Identifiers: ClinVar variation 1510197 (VCV001510197.7), dbSNP rs376761685, ClinGen allele CA24544514.

ClinVar aggregate classification (germline): Likely benign (1 of 4 stars; one submission).

Conditions:
Atrial conduction disease. Identifiers: Orphanet 436242, MedGen CN221670, MONDO:0014500.

Allele frequency attached by ClinVar (database versions not stated): gnomAD exomes below 0.00001; TOPMed below 0.00001.
gnomAD v4.1: 11 of 1,599,322 alleles (0.00069%); highest among the groups gnomAD compares: South Asian, 0.0057%; no homozygotes.

Submission:

Labcorp Genetics (formerly Invitae), Labcorp
Classification: Likely benign. Last evaluated: 2026-01-08. Review status: criteria provided, single submitter. Criteria: Invitae Variant Classification Sherloc (09022015). Collection method: clinical testing. Allele origin: germline.